The following is an entry in ClinVar:

NM_012144.4(DNAI1):c.1659dup (p.Lys554fs)

Gene: DNAI1 (dynein axonemal intermediate chain 1; plus strand). Cytogenetic location: 9p13.3.
Variant type: Duplication.
Coding change: c.1659dup on transcript NM_012144.4 (MANE Select); coding-DNA position 1659, one base duplicated (C; older notation c.1659dupC).
Protein change: p.Lys554fs; shifts the reading frame from lysine 554.
Molecular consequence: frameshift variant.
Genome position (GRCh38, 1-based): chr9:34,514,483, C duplicated; the last of 2 consecutive C bases (chr9:34,514,482-34,514,483); duplicating either gives the same sequence. VCF-style (leftmost placement, unchanged base first): chr9-34514481-A-AC. GRCh37 (hg19) VCF-style: chr9-34514479-A-AC.
Other names: c.1671dup, p.Lys558fs (NM_001281428.2); short protein forms K554fs, K558fs.
Identifiers: ClinVar variation 5013542 (VCV005013542.1).

ClinVar aggregate classification (germline): Pathogenic (1 of 4 stars; one submission).

Conditions:
Kartagener syndrome (CILD1). Also called: CILIARY DYSKINESIA, PRIMARY, 1; CILIARY DYSKINESIA, PRIMARY, 1, WITH OR WITHOUT SITUS INVERSUS; IMMOTILE CILIA SYNDROME; POLYNESIAN BRONCHIECTASIS; Dextrocardia bronchiectasis and sinusitis; SIEWERT SYNDROME. Identifiers: Orphanet 244, MedGen C4551906, MONDO:0009484, OMIM 244400.

Submission:

Myriad Genetics, Inc.
Classification: Pathogenic for Kartagener syndrome. Last evaluated: 2024-09-11. Review status: criteria provided, single submitter. Criteria: Myriad Autosomal Dominant, Autosomal Recessive and X-Linked Classification Criteria (2023). Collection method: clinical testing. Allele origin: unknown.
Comment: NM_012144.2(DNAI1):c.1659dupC(K554Qfs*27) is expected to be pathogenic in the context of primary ciliary dyskinesia, DNAI1-related. This variant is predicted to lead to an abnormal or absent protein product due to the creation of a premature termination codon in DNAI1, a gene where loss-of-function variants are known to be pathogenic. Please note: this variant was assessed in the context of healthy population screening.